The following is an entry in ClinVar:

ClinVar aggregate classification (germline): Conflicting classifications of pathogenicity. Review status: criteria provided, conflicting classifications (1 of 4 stars). 2 submissions from 2 submitters: Likely pathogenic (1); Uncertain significance (1). Last evaluated 2026-01-06.

Allele frequency attached by ClinVar (database versions not stated): gnomAD 0.00001; TOPMed 0.00001; gnomAD exomes 0.00001.
gnomAD v4.1: 24 of 1,614,126 alleles (0.0015%); highest among the groups gnomAD compares: Non-Finnish European, 0.0019%; no homozygotes.

Submissions (2):

Labcorp Genetics (formerly Invitae), Labcorp
Classification: Likely pathogenic. Last evaluated: 2026-01-06. Review status: criteria provided, single submitter. Criteria: Invitae Variant Classification Sherloc (09022015). Collection method: clinical testing. Allele origin: germline.
Comment: This sequence change replaces tryptophan, which is neutral and slightly polar, with arginine, which is basic and polar, at codon 40 of the UGT1A1 protein (p.Trp40Arg). This variant is not present in population databases (gnomAD no frequency). This missense change has been observed in individual(s) with clinical features of Crigler-Najjar syndrome and/or hyperbilirubinemia (PMID: 16712705; internal data). In at least one individual the data is consistent with being in trans (on the opposite chromosome) from a pathogenic variant. ClinVar contains an entry for this variant (Variation ID: 2734431). Invitae Evidence Modeling of protein sequence and biophysical properties (such as structural, functional, and spatial information, amino acid conservation, physicochemical variation, residue mobility, and thermodynamic stability) indicates that this missense variant is expected to disrupt UGT1A1 protein function with a positive predictive value of 80%. In summary, the currently available evidence indicates that the variant is pathogenic, but additional data are needed to prove that conclusively. Therefore, this variant has been classified as Likely Pathogenic.

ARUP Laboratories, Molecular Genetics and Genomics, ARUP Laboratories
Classification: Uncertain significance. Last evaluated: 2025-05-02. Review status: criteria provided, single submitter. Criteria: ARUP Molecular Germline Variant Investigation Process 2024. Collection method: clinical testing. Allele origin: germline.
Comment: The UGT1A1 c.118T>C; p.Trp40Arg variant (rs1183811071, ClinVar Variation ID 2734431) is reported in the compound heterozygous state in one individual with unconjugated hyperbilirubinemia (Petit 2006). This variant is absent from the Genome Aggregation Database (v2.1.1), indicating it is not a common polymorphism. Computational analyses predict that this variant is deleterious (REVEL: 0.766). However, given the lack of additional clinical information and functional data, the significance of this variant is uncertain at this time. References: Petit F et al. Crigler-Najjar type II syndrome may result from several types and combinations of mutations in the UGT1A1 gene. Clin Genet. 2006 Jun. PMID: 16712705.

Literature cited by the submitters: PubMed 16712705 (cited by Labcorp Genetics (formerly Invitae), Labcorp).

NM_000463.3(UGT1A1):c.118T>C (p.Trp40Arg)

Genes: UGT1A (UDP glucuronosyltransferase family 1 member A complex locus; plus strand), UGT1A1 (UDP glucuronosyltransferase family 1 member A1; plus strand), UGT1A10 (UDP glucuronosyltransferase family 1 member A10; plus strand), UGT1A3 (UDP glucuronosyltransferase family 1 member A3; plus strand), UGT1A4 (UDP glucuronosyltransferase family 1 member A4; plus strand) and 5 more. Cytogenetic location: 2q37.1.
Variant type: single nucleotide variant.
Coding change: c.118T>C on transcript NM_000463.3 (MANE Select); coding-DNA position 118, T replaced by C.
Protein change: p.Trp40Arg; replaces tryptophan 40 with arginine.
Molecular consequence: missense variant. On other transcripts: intron variant (9).
Genome position (GRCh38, 1-based): chr2:233,760,405, T>C. VCF-style: chr2-233760405-T-C. GRCh37 (hg19) VCF-style: chr2-234669051-T-C.
Other names: c.856-6629T>C (NM_019076.5, NM_019075.4, NM_021027.3 and 1 more transcripts); c.61-6629T>C (NM_205862.3); c.862-6629T>C (NM_001072.4); c.868-6629T>C (NM_019078.2, NM_007120.3, NM_019093.4); short protein forms W40R.
Identifiers: ClinVar variation 2734431 (VCV002734431.4), dbSNP rs1183811071, ClinGen allele CA351065698.